The following is an entry in ClinVar:

NC_000006.11:g.(?_42141352)_(42141572_?)del

Gene: GUCA1A (guanylate cyclase activator 1A; plus strand). Cytogenetic location: 6p21.1.
Variant type: Deletion.
Identifiers: ClinVar variation 2423038 (VCV002423038.4).

ClinVar aggregate classification (germline): Uncertain significance (1 of 4 stars; one submission).

Submission:

Labcorp Genetics (formerly Invitae), Labcorp
Classification: Uncertain significance. Last evaluated: 2022-03-14. Review status: criteria provided, single submitter. Criteria: Invitae Variant Classification Sherloc (09022015). Collection method: clinical testing. Allele origin: germline.
Comment: In summary, the available evidence is currently insufficient to determine the role of this variant in disease. Therefore, it has been classified as a Variant of Uncertain Significance. Experimental studies and prediction algorithms are not available or were not evaluated, and the functional significance of this variant is currently unknown. This variant has not been reported in the literature in individuals affected with GUCA1A-related conditions. This variant is a gross deletion of the genomic region encompassing exon(s) 3 of the GUCA1A gene, which includes the initiator codon. This deletion extends beyond the assayed region for this gene and therefore may encompass additional genes. It is expected to result in an absent or disrupted protein product. However, the current clinical and genetic evidence is not sufficient to establish whether loss-of-function variants in GUCA1A cause disease.